The following is an entry in ClinVar:

ClinVar aggregate classification (germline): Conflicting classifications of pathogenicity. Review status: criteria provided, conflicting classifications (1 of 4 stars). 5 submissions from 5 submitters: Uncertain significance (4); Likely benign (1). Last evaluated 2026-03-24.

Conditions:
PCDH15-related disorder. Also called: PCDH15-related disorders; PCDH15-related condition.
Inborn genetic diseases. Identifiers: MedGen C0950123, MeSH D030342.

Allele frequency attached by ClinVar (database versions not stated): gnomAD 0.00001; 1000 Genomes Project 0.00020; 1000 Genomes Project 30x 0.00031.
gnomAD v4.1: 59 of 1,613,618 alleles (0.0037%); highest among the groups gnomAD compares: South Asian, 0.058%; 1 homozygote.

Submissions (5):

PreventionGenetics, part of Exact Sciences
Classification: Uncertain significance for PCDH15-related condition. Last evaluated: 2026-03-24. Review status: criteria provided, single submitter. Criteria: ACMG Guidelines, 2015. Collection method: clinical testing. Allele origin: germline.
Comment: The PCDH15 c.3341T>G variant is predicted to result in the amino acid substitution p.Val1114Gly. To our knowledge, this variant has not been reported in the literature. This variant is reported in 0.062% of alleles in individuals of South Asian descent in gnomAD. Although we suspect that this variant may be benign, at this time, the clinical significance of this variant is uncertain due to the absence of conclusive functional and genetic evidence.

Labcorp Genetics (formerly Invitae), Labcorp
Classification: Likely benign. Last evaluated: 2026-01-09. Review status: criteria provided, single submitter. Criteria: Invitae Variant Classification Sherloc (09022015). Collection method: clinical testing. Allele origin: germline.

Blueprint Genetics
Classification: Uncertain significance. Last evaluated: 2024-01-09. Review status: criteria provided, single submitter. Criteria: ACMG Guidelines, 2015. Collection method: clinical testing. Allele origin: germline.

GeneDx
Classification: Uncertain significance. Last evaluated: 2023-07-05. Review status: criteria provided, single submitter. Criteria: GeneDx Variant Classification Process June 2021. Collection method: clinical testing. Allele origin: germline. Affected: yes.
Comment: In silico analysis supports that this missense variant has a deleterious effect on protein structure/function; Has not been previously published as pathogenic or benign to our knowledge

Ambry Genetics
Classification: Uncertain significance for Inborn genetic diseases. Last evaluated: 2021-08-12. Review status: criteria provided, single submitter. Criteria: Ambry Variant Classification Scheme 2023. Collection method: clinical testing. Allele origin: germline.

NM_001384140.1(PCDH15):c.3341T>G (p.Val1114Gly)

Gene: PCDH15 (protocadherin related 15; minus strand). Cytogenetic location: 10q21.1.
Variant type: single nucleotide variant.
Coding change: c.3341T>G on transcript NM_001384140.1 (MANE Select); coding-DNA position 3341, T replaced by G.
Protein change: p.Val1114Gly; replaces valine 1114 with glycine.
Molecular consequence: missense variant.
Genome position (GRCh38, 1-based): chr10:53,938,847, A>C on the plus strand (T>G on the coding strand, the complement: PCDH15 is on the minus strand). VCF-style: chr10-53938847-A-C. GRCh37 (hg19) VCF-style: chr10-55698607-A-C.
Other names: c.3356T>G, p.Val1119Gly (NM_001142763.2, NM_001142771.2); c.3341T>G, p.Val1114Gly (NM_001142764.2, NM_001142766.2, NM_001142770.3 and 4 more transcripts); c.3128T>G, p.Val1043Gly (NM_001142765.2); c.3230T>G, p.Val1077Gly (NM_001142767.2); c.3275T>G, p.Val1092Gly (NM_001142768.2, NM_001142773.2, NM_001354404.2); c.3377T>G, p.Val1126Gly (NM_001142769.4); c.3362T>G, p.Val1121Gly (NM_001354411.2); short protein forms V1121G, V1126G, V1043G, V1077G, V1092G, V1114G, V1119G.
Identifiers: ClinVar variation 1388174 (VCV001388174.9), dbSNP rs563855694, ClinGen allele CA5505736.